The following is an entry in ClinVar:

ClinVar aggregate classification (germline): Uncertain significance (1 of 4 stars; one submission).

Conditions:
Hypertrophic cardiomyopathy. Also called: HYPERTROPHIC MYOCARDIOPATHY. Identifiers: Orphanet 217569, MedGen C0007194, MeSH D002312, MONDO:0005045, HP:0001639.

Submission:

Labcorp Genetics (formerly Invitae), Labcorp
Classification: Uncertain significance for Hypertrophic cardiomyopathy. Last evaluated: 2022-05-25. Review status: criteria provided, single submitter. Criteria: Invitae Variant Classification Sherloc (09022015). Collection method: clinical testing. Allele origin: germline.
Comment: In summary, the available evidence is currently insufficient to determine the role of this variant in disease. Therefore, it has been classified as a Variant of Uncertain Significance. Algorithms developed to predict the effect of missense changes on protein structure and function (SIFT, PolyPhen-2, Align-GVGD) all suggest that this variant is likely to be tolerated. This variant has not been reported in the literature in individuals affected with MYOM1-related conditions. This variant is not present in population databases (gnomAD no frequency). This sequence change replaces threonine, which is neutral and polar, with isoleucine, which is neutral and non-polar, at codon 1196 of the MYOM1 protein (p.Thr1196Ile).

NM_003803.4(MYOM1):c.3587C>T (p.Thr1196Ile)

Gene: MYOM1 (myomesin 1; minus strand). Cytogenetic location: 18p11.31.
Variant type: single nucleotide variant.
Coding change: c.3587C>T on transcript NM_003803.4 (MANE Select); coding-DNA position 3587, C replaced by T.
Protein change: p.Thr1196Ile; replaces threonine 1196 with isoleucine.
Molecular consequence: missense variant.
Genome position (GRCh38, 1-based): chr18:3,100,415, G>A on the plus strand (C>T on the coding strand, the complement: MYOM1 is on the minus strand). VCF-style: chr18-3100415-G-A. GRCh37 (hg19) VCF-style: chr18-3100413-G-A.
Other names: c.3299C>T, p.Thr1100Ile (NM_019856.2); short protein forms T1100I, T1196I.
Identifiers: ClinVar variation 2163018 (VCV002163018.4), dbSNP rs758668523, ClinGen allele CA401702533.